The following is an entry in ClinVar:

ClinVar aggregate classification (germline): Uncertain significance (1 of 4 stars; one submission).

Conditions:
Birt-Hogg-Dube syndrome. Also called: Birt Hogg Dubé syndrome. Identifiers: Orphanet 122, MedGen C0346010, MONDO:0800444.

Submission:

Labcorp Genetics (formerly Invitae), Labcorp
Classification: Uncertain significance for Birt-Hogg-Dube syndrome. Last evaluated: 2021-05-07. Review status: criteria provided, single submitter. Criteria: Invitae Variant Classification Sherloc (09022015). Collection method: clinical testing. Allele origin: germline.
Comment: This sequence change replaces methionine with leucine at codon 81 of the FLCN protein (p.Met81Leu). The methionine residue is highly conserved and there is a small physicochemical difference between methionine and leucine. This variant is not present in population databases (ExAC no frequency). This variant has not been reported in the literature in individuals with FLCN-related conditions. Algorithms developed to predict the effect of missense changes on protein structure and function (SIFT, PolyPhen-2, Align-GVGD) all suggest that this variant is likely to be tolerated, but these predictions have not been confirmed by published functional studies and their clinical significance is uncertain. In summary, the available evidence is currently insufficient to determine the role of this variant in disease. Therefore, it has been classified as a Variant of Uncertain Significance.

NM_144997.7(FLCN):c.241A>C (p.Met81Leu)

Gene: FLCN (folliculin; minus strand). Cytogenetic location: 17p11.2.
Variant type: single nucleotide variant.
Coding change: c.241A>C on transcript NM_144997.7 (MANE Select); coding-DNA position 241, A replaced by C.
Protein change: p.Met81Leu; replaces methionine 81 with leucine.
Molecular consequence: missense variant.
Genome position (GRCh38, 1-based): chr17:17,227,897, T>G on the plus strand (A>C on the coding strand, the complement: FLCN is on the minus strand). VCF-style: chr17-17227897-T-G. GRCh37 (hg19) VCF-style: chr17-17131211-T-G.
Other names: c.241A>C, p.Met81Leu (NM_001353229.2, NM_001353230.2, NM_001353231.2 and 1 more transcripts); short protein forms M81L.
Identifiers: ClinVar variation 1352066 (VCV001352066.8), dbSNP rs745521431, ClinGen allele CA398535029.